The following is an entry in ClinVar:

NM_001191061.2(SLC25A22):c.945G>A (p.Leu315=)

Gene: SLC25A22 (solute carrier family 25 member 22; minus strand). Cytogenetic location: 11p15.5.
Variant type: single nucleotide variant.
Coding change: c.945G>A on transcript NM_001191061.2 (MANE Select); coding-DNA position 945, G replaced by A.
Protein change: p.Leu315=; no amino-acid change (leucine 315 retained).
Molecular consequence: synonymous variant.
Genome position (GRCh38, 1-based): chr11:791,942, C>T on the plus strand (G>A on the coding strand, the complement: SLC25A22 is on the minus strand). VCF-style: chr11-791942-C-T. GRCh37 (hg19) VCF-style: chr11-791942-C-T.
Other names: c.945G>A, p.Leu315= (NM_001191060.2, NM_024698.6).
Identifiers: ClinVar variation 659489 (VCV000659489.33), dbSNP rs1179494187, ClinGen allele CA472438473.
Genomic context (GRCh38, chr11:791,942, plus strand): 5'-GCCCAGCTGGCTGGGGTGGAGCGGGTGCTGGGCTCAGGCCTGGGGGTCCTGCAGCAGCCC[C>T]AGCAGGGACTCCGCGATGCCCAGGAAGTAGACCACCTGTGCGATGCCGAAAAGGGGCGCG-3'
Protein context (NP_001177990.1, residues 305-323): VYFLGIAESL[Leu315=]GLLQDPQA

ClinVar aggregate classification (germline): Likely benign. Review status: criteria provided, multiple submitters, no conflicts (2 of 4 stars). 2 submissions from 2 submitters: Likely benign (2). Last evaluated 2024-11-03.

Conditions:
Early-infantile DEE. Also called: Early infantile epileptic encephalopathy; Early infantile epileptic encephalopathy with suppression bursts; Ohtahara syndrome. Identifiers: Orphanet 1934, MedGen C0393706, MONDO:0800491.

Allele frequency attached by ClinVar (database versions not stated): gnomAD 0.00001; gnomAD exomes 0.00001 and 0.00004; TOPMed 0.00002.
gnomAD v4.1: 51 of 1,603,148 alleles (0.0032%); highest among the groups gnomAD compares: Non-Finnish European, 0.0043%; no homozygotes.

Submissions (2):

Labcorp Genetics (formerly Invitae), Labcorp
Classification: Likely benign for Early-infantile DEE. Last evaluated: 2024-11-03. Review status: criteria provided, single submitter. Criteria: Invitae Variant Classification Sherloc (09022015). Collection method: clinical testing. Allele origin: germline.

CeGaT Center for Human Genetics Tuebingen
Classification: Likely benign. Last evaluated: 2023-07-01. Review status: criteria provided, single submitter. Criteria: CeGaT Center For Human Genetics Tuebingen Variant Classification Criteria Version 2. Collection method: clinical testing. Allele origin: germline. Affected: yes. Observed: 1 variant allele.
Comment: SLC25A22: BP4, BP7